The following is an entry in ClinVar:

ClinVar aggregate classification (germline): Uncertain significance. Review status: reviewed by expert panel (3 of 4 stars). 8 submissions from 8 submitters: Uncertain significance (1). 7 of the submissions do not count toward it. Last evaluated 2024-04-26.

Conditions:
Very long chain acyl-CoA dehydrogenase deficiency (ACADVLD). Also called: Very Long-Chain Acyl-Coenzyme A Dehydrogenase Deficiency; VLCAD Deficiency. Identifiers: Orphanet 26793, MedGen C3887523, MONDO:0008723, OMIM 201475.

Allele frequency attached by ClinVar (database versions not stated): gnomAD exomes below 0.00001; TOPMed below 0.00001.
gnomAD v4.1: 1 of 1,614,112 alleles (0.000062%); highest among the groups gnomAD compares: Non-Finnish European, 0.000085%; no homozygotes.

Submissions (8):

ClinGen ACADVL Variant Curation Expert Panel, ClinGen
Classification: Uncertain significance for Very long chain acyl-CoA dehydrogenase deficiency. Last evaluated: 2024-04-26. Review status: reviewed by expert panel. Criteria: clingen acadvl acmg specifications v1. Collection method: curation. Allele origin: germline. Inheritance: Autosomal recessive inheritance.
Comment: The NM_000018.4: c.640T>G (p.Phe214Val) in ACADVL is a missense variant predicted to cause substitution of phenylalanine by valine at amino acid 214 (p.Phe214Val). The highest population minor allele frequency in gnomAD v2.1.1 is 0.000009 in Non-Finnish European population, which is lower than the ClinGen ACADVL Variant Curation Expert Panel threshold (<0.001) for PM2_Supporting, meeting this criterion (PM2_Supporting). This variant has been reported in the literature in five individuals with an abnormal newborn screen who are apparently heterozygous carriers for the variant (PMID: 26385305), but this information is insufficient to use toward classification. This variant resides within a region, amino acids 214–223, of ACADVL that is defined as a mutational hotspot and critical functional domain by the ClinGen ACADVL Variant Curation Expert Panel (PMIDs: 20060901, 9973285; PM1). The computational predictor REVEL gives a score of 0.916, which is above the threshold of 0.75, evidence that correlates with impact to ACADVL function (PP3). Due to limited evidence, this variant is classified as a variant of uncertain significance for autosomal recessive very long chain acyl-CoA dehydrogenase (VLCAD) deficiency based on the ACMG/AMP criteria applied, as specified by the ClinGen ACADVL Variant Curation Expert Panel: PM1, PM2_Supporting, PP3 (ACADVL VCEP specifications version 1; approved November 9, 2021).

Labcorp Genetics (formerly Invitae), Labcorp
Classification: Uncertain significance for Very long chain acyl-CoA dehydrogenase deficiency. Last evaluated: 2026-01-08. Review status: criteria provided, single submitter. Criteria: Invitae Variant Classification Sherloc (09022015). Collection method: clinical testing. Allele origin: germline. Not counted in ClinVar's aggregate classification.
Comment: This sequence change replaces phenylalanine, which is neutral and non-polar, with valine, which is neutral and non-polar, at codon 214 of the ACADVL protein (p.Phe214Val). This variant is present in population databases (no rsID available, gnomAD 0.0009%). This missense change has been observed in individual(s) with abnormal newborn screening results suggestive of very long chain acyl-coA dehydrogenase deficiency (PMID: 26385305). ClinVar contains an entry for this variant (Variation ID: 541723). Invitae Evidence Modeling of protein sequence and biophysical properties (such as structural, functional, and spatial information, amino acid conservation, physicochemical variation, residue mobility, and thermodynamic stability) has been performed for this missense variant. However, the output from this modeling did not meet the statistical confidence thresholds required to predict the impact of this variant on ACADVL protein function. In summary, the available evidence is currently insufficient to determine the role of this variant in disease. Therefore, it has been classified as a Variant of Uncertain Significance.

GeneDx
Classification: Uncertain significance. Last evaluated: 2025-11-04. Review status: criteria provided, single submitter. Criteria: GeneDx Variant Classification Process June 2021. Collection method: clinical testing. Allele origin: germline. Affected: yes. Not counted in ClinVar's aggregate classification.
Comment: Observed as heterozygous in five individuals identified by newborn screening; detailed clinical information and information about the presence of a second variant in ACADVL was not reported (PMID: 26385305); In silico analysis supports that this missense variant has a deleterious effect on protein structure/function; Not observed at significant frequency in large population cohorts (gnomAD); This variant is associated with the following publications: (PMID: 26385305)

Revvity Omics, Revvity
Classification: Uncertain significance for Very long chain acyl-CoA dehydrogenase deficiency. Last evaluated: 2024-12-13. Review status: criteria provided, single submitter. Criteria: ACMG Guidelines, 2015. Collection method: clinical testing. Allele origin: germline. Not counted in ClinVar's aggregate classification.

Women's Health and Genetics/Laboratory Corporation of America, LabCorp
Classification: Uncertain significance. Last evaluated: 2024-06-17. Review status: criteria provided, single submitter. Criteria: LabCorp Variant Classification Summary - May 2015. Collection method: clinical testing. Allele origin: germline. Not counted in ClinVar's aggregate classification.
Comment: Variant summary: ACADVL c.640T>G (p.Phe214Val) results in a non-conservative amino acid change located in the Acyl-CoA oxidase/dehydrogenase, middle domain (IPR006091) of the encoded protein sequence. Five of five in-silico tools predict a damaging effect of the variant on protein function. The variant allele was found at a frequency of 4e-06 in 251346 control chromosomes. The available data on variant occurrences in the general population are insufficient to allow any conclusion about variant significance. c.640T>G has been reported in the literature in individuals who were identified by newborn screening with Very Long Chain Acyl-CoA Dehydrogenase Deficiency (Miller_2015). However, the zygosity of these individuals is unknown. These report(s) do not provide unequivocal conclusions about association of the variant with Very Long Chain Acyl-CoA Dehydrogenase Deficiency. To our knowledge, no experimental evidence demonstrating an impact on protein function has been reported. The following publication has been ascertained in the context of this evaluation (PMID: 26385305). ClinVar contains an entry for this variant (Variation ID: 541723). Based on the evidence outlined above, the variant was classified as uncertain significance.

Wong Mito Lab, Molecular and Human Genetics, Baylor College of Medicine
Classification: Likely pathogenic for Very long chain acyl-CoA dehydrogenase deficiency. Last evaluated: 2019-11-01. Review status: criteria provided, single submitter. Criteria: ACMG Guidelines, 2015. Collection method: clinical testing. Allele origin: germline. Not counted in ClinVar's aggregate classification.
Comment: The NM_000018.3:c.640T>G (NP_000009.1:p.Phe214Val) [GRCH38: NC_000017.11:g.7221969T>G] variant in ACADVL gene is interpretated to be Likely Pathogenic based on ACMG guidelines (PMID: 25741868). This variant has been reported. This variant meets the following evidence codes reported in the ACMG guidelines: PS3, PM1, PM2, PP3

Eurofins Ntd Llc (ga)
Classification: Uncertain significance. Last evaluated: 2018-08-31. Review status: criteria provided, single submitter. Criteria: EGL ClinVar v180209 classification definitions. Collection method: clinical testing. Allele origin: germline. Observed: 1 variant allele, 1 heterozygote. Not counted in ClinVar's aggregate classification.

Counsyl
Classification: Uncertain significance for Very long chain acyl-CoA dehydrogenase deficiency. Last evaluated: 2018-06-07. Review status: no assertion criteria provided. Collection method: clinical testing. Allele origin: unknown. Not counted in ClinVar's aggregate classification.

Literature cited by the submitters: PubMed 26385305 (cited by 6 submitters).

NM_000018.4(ACADVL):c.640T>G (p.Phe214Val)

Gene: ACADVL (acyl-CoA dehydrogenase very long chain; plus strand). Cytogenetic location: 17p13.1.
Variant type: single nucleotide variant.
Coding change: c.640T>G on transcript NM_000018.4 (MANE Select); coding-DNA position 640, T replaced by G.
Protein change: p.Phe214Val; replaces phenylalanine 214 with valine.
Molecular consequence: missense variant.
Genome position (GRCh38, 1-based): chr17:7,221,969, T>G. VCF-style: chr17-7221969-T-G. GRCh37 (hg19) VCF-style: chr17-7125288-T-G.
Other names: NM_000018.4(ACADVL):c.640T>G; p.Phe214Val; c.574T>G, p.Phe192Val (NM_001033859.3); c.709T>G, p.Phe237Val (NM_001270447.2); c.412T>G, p.Phe138Val (NM_001270448.2); short protein forms F214V, F138V, F192V, F237V.
Identifiers: ClinVar variation 541723 (VCV000541723.23), dbSNP rs1192969297, ClinGen allele CA397723367.